The following is an entry in ClinVar:

ClinVar aggregate classification (germline): Pathogenic (1 of 4 stars; one submission).

Conditions:
Familial cancer of breast. Also called: BREAST CANCER, FAMILIAL; Hereditary breast cancer; hereditary breast carcinoma. Identifiers: Orphanet 227535, MedGen C0346153, MONDO:0016419, OMIM 114480. Disease mechanism: loss of function.

Submission:

Myriad Genetics, Inc.
Classification: Pathogenic for Familial cancer of breast. Last evaluated: 2025-08-19. Review status: criteria provided, single submitter. Criteria: Myriad Autosomal Dominant, Autosomal Recessive and X-Linked Classification Criteria (2023). Collection method: clinical testing. Allele origin: unknown.
Comment: This variant is considered pathogenic. This variant occurs within a consensus splice junction and is predicted to result in abnormal mRNA splicing of either an out-of-frame exon or an in-frame exon necessary for protein stability and/or normal function. mRNA analysis has demonstrated abnormal mRNA splicing occurs [Myriad internal data].

NM_000051.4(ATM):c.7788+2T>A

Genes: ATM (ATM serine/threonine kinase; plus strand), C11orf65 (chromosome 11 open reading frame 65; minus strand). Cytogenetic location: 11q22.3.
Variant type: single nucleotide variant.
Coding change: c.7788+2T>A on transcript NM_000051.4 (MANE Select); the canonical splice donor site of the intron after coding-DNA position 7788, T replaced by A.
Molecular consequence: splice donor variant. On other transcripts: intron variant (2).
Genome position (GRCh38, 1-based): chr11:108,332,039, T>A. VCF-style: chr11-108332039-T-A. GRCh37 (hg19) VCF-style: chr11-108202766-T-A.
Other names: c.7788+2T>A (NM_001351834.2); c.641-22968A>T (NM_001330368.2); c.*38+3181A>T (NM_001351110.2).
Identifiers: ClinVar variation 4294216 (VCV004294216.1).